The following is an entry in ClinVar:

NM_001966.4(EHHADH):c.191G>A (p.Arg64His)

Gene: EHHADH (enoyl-CoA hydratase and 3-hydroxyacyl CoA dehydrogenase; minus strand). Cytogenetic location: 3q27.2.
Variant type: single nucleotide variant.
Coding change: c.191G>A on transcript NM_001966.4 (MANE Select); coding-DNA position 191, G replaced by A.
Protein change: p.Arg64His; replaces arginine 64 with histidine.
Molecular consequence: missense variant. On other transcripts: 5 prime UTR variant (1).
Genome position (GRCh38, 1-based): chr3:185,235,450, C>T on the plus strand (G>A on the coding strand, the complement: EHHADH is on the minus strand). VCF-style: chr3-185235450-C-T. GRCh37 (hg19) VCF-style: chr3-184953238-C-T.
Other names: c.-98G>A (NM_001166415.2); c.191G>A (NM_001966.3); short protein forms R64H.
Identifiers: ClinVar variation 594126 (VCV000594126.7), dbSNP rs138910957, ClinGen allele CA2739284.
Genomic context (GRCh38, chr3:185,235,450, plus strand): 5'-TGTATTTCATCTACTACATGTCCCAGTGTAAGGCCAAATGTCCTAGGAGCACTGAAGCCA[C>T]GAATATCAGCACCTAAGGGCACAAAGACAAGGAGAAAACAGAGTTGAGAAATACATGGGC-3'
Protein context (NP_001957.2, residues 54-74): EGKFSAGADI[Arg64His]GFSAPRTFGL

ClinVar aggregate classification (germline): Likely benign. Review status: criteria provided, single submitter (1 of 4 stars). 2 submissions from 2 submitters: Likely benign (1). 1 of the submissions does not count toward it. Last evaluated 2017-09-18.

Conditions:
EHHADH-related disorder. Also called: EHHADH-related condition.

Allele frequency attached by ClinVar (database versions not stated): gnomAD exomes 0.00010 and 0.00025; ExAC 0.00036; 1000 Genomes Project 30x 0.00062; 1000 Genomes Project 0.00080; TOPMed 0.00088; ESP Exome Variant Server 0.00146.
gnomAD v4.1: 267 of 1,608,244 alleles (0.017%); highest among the groups gnomAD compares: African/African-American, 0.3%; no homozygotes.

Submissions (2):

Eurofins Ntd Llc (ga)
Classification: Likely benign. Last evaluated: 2017-09-18. Review status: criteria provided, single submitter. Criteria: EGL Classification Definitions 2015. Collection method: clinical testing. Allele origin: germline. Observed: 1 variant allele, 1 heterozygote.

PreventionGenetics, part of Exact Sciences
Classification: Likely benign for EHHADH-related condition. Last evaluated: 2022-12-27. Review status: no assertion criteria provided. Collection method: clinical testing. Allele origin: germline. Not counted in ClinVar's aggregate classification.
Comment: This variant is classified as likely benign based on ACMG/AMP sequence variant interpretation guidelines (Richards et al. 2015 PMID: 25741868, with internal and published modifications).